The following is an entry in ClinVar:

NM_001033855.3(DCLRE1C):c.1595T>G (p.Ile532Ser)

Gene: DCLRE1C (DNA cross-link repair 1C; minus strand). Cytogenetic location: 10p13.
Variant type: single nucleotide variant.
Coding change: c.1595T>G on transcript NM_001033855.3 (MANE Select); coding-DNA position 1595, T replaced by G.
Protein change: p.Ile532Ser; replaces isoleucine 532 with serine.
Molecular consequence: missense variant. On other transcripts: non-coding transcript variant (4).
Genome position (GRCh38, 1-based): chr10:14,908,892, A>C on the plus strand (T>G on the coding strand, the complement: DCLRE1C is on the minus strand). VCF-style: chr10-14908892-A-C. GRCh37 (hg19) VCF-style: chr10-14950891-A-C.
Other names: c.1235T>G, p.Ile412Ser (NM_001033857.3, NM_001033858.3, NM_001289077.2 and 2 more transcripts); c.1250T>G, p.Ile417Ser (NM_001289076.2, NM_001289078.2, NM_001350966.2 and 1 more transcripts); c.1595T>G, p.Ile532Ser (NM_001350965.2); c.1595T>G (NM_001033855.1); short protein forms I532S, I412S, I417S.
Identifiers: ClinVar variation 1412153 (VCV001412153.8), dbSNP rs769134680, ClinGen allele CA5416449.

ClinVar aggregate classification (germline): Uncertain significance. Review status: criteria provided, multiple submitters, no conflicts (2 of 4 stars). 2 submissions from 2 submitters: Uncertain significance (2). Last evaluated 2025-08-04.

Conditions:
Inborn genetic diseases. Identifiers: MedGen C0950123, MeSH D030342.
Severe combined immunodeficiency due to DCLRE1C deficiency (RS-SCID). Also called: SCID, AUTOSOMAL RECESSIVE, T CELL-NEGATIVE, B CELL-NEGATIVE, NK CELL-POSITIVE, WITH SENSITIVITY TO IONIZING RADIATION. Identifiers: Orphanet 275, MedGen C1865371, MONDO:0011225, OMIM 602450.

Allele frequency attached by ClinVar (database versions not stated): ExAC 0.00001; gnomAD exomes 0.00004 and 0.00001; TOPMed 0.00006; gnomAD 0.00011 and 0.00012.
gnomAD v4.1: 33 of 1,613,986 alleles (0.002%); highest among the groups gnomAD compares: Admixed American, 0.043%; no homozygotes.

Submissions (2):

Ambry Genetics
Classification: Uncertain significance for Inborn genetic diseases. Last evaluated: 2025-08-04. Review status: criteria provided, single submitter. Criteria: Ambry Variant Classification Scheme 2023. Collection method: clinical testing. Allele origin: germline.

Labcorp Genetics (formerly Invitae), Labcorp
Classification: Uncertain significance for Athabaskan severe combined immunodeficiency. Last evaluated: 2024-02-24. Review status: criteria provided, single submitter. Criteria: Invitae Variant Classification Sherloc (09022015). Collection method: clinical testing. Allele origin: germline.
Comment: This sequence change replaces isoleucine, which is neutral and non-polar, with serine, which is neutral and polar, at codon 532 of the DCLRE1C protein (p.Ile532Ser). This variant is present in population databases (rs769134680, gnomAD 0.02%). This variant has not been reported in the literature in individuals affected with DCLRE1C-related conditions. ClinVar contains an entry for this variant (Variation ID: 1412153). An algorithm developed to predict the effect of missense changes on protein structure and function (PolyPhen-2) suggests that this variant is likely to be disruptive. In summary, the available evidence is currently insufficient to determine the role of this variant in disease. Therefore, it has been classified as a Variant of Uncertain Significance.